The following is an entry in ClinVar:

ClinVar aggregate classification (germline): Pathogenic (1 of 4 stars; one submission).

Conditions:
Peroxisome biogenesis disorder 9B. Also called: PEROXISOME BIOGENESIS DISORDER, PEX7-RELATED, ATYPICAL; PEX7-Related Refsum Disease; Refsum disease, adult, 2. Identifiers: Orphanet 773, MedGen C2749346, MONDO:0013945, OMIM 614879.

Submission:

Labcorp Genetics (formerly Invitae), Labcorp
Classification: Pathogenic for Peroxisome biogenesis disorder 9B. Last evaluated: 2022-02-01. Review status: criteria provided, single submitter. Criteria: Invitae Variant Classification Sherloc (09022015). Collection method: clinical testing. Allele origin: germline.
Comment: For these reasons, this variant has been classified as Pathogenic. This variant has not been reported in the literature in individuals affected with PEX7-related conditions. This variant is a gross deletion of the genomic region encompassing exon(s) 4-5 of the PEX7 gene. This deletion is out-of-frame, and is expected to create a premature termination codon and result in an absent or disrupted protein product. Loss-of-function variants in PEX7 are known to be pathogenic (PMID: 12325024, 12522768, 20301447).

Literature cited by the submitters: PubMed 12325024; PubMed 12522768; PubMed 20301447.

NC_000006.11:g.(?_137166743)_(137167329_?)del

Gene: PEX7 (peroxisomal biogenesis factor 7; plus strand). Cytogenetic location: 6q23.3.
Variant type: Deletion.
Identifiers: ClinVar variation 2422817 (VCV002422817.4).